The following is an entry in ClinVar:

NM_005802.5(TOPORS):c.3074A>G (p.Gln1025Arg)

Gene: TOPORS (TOP1 binding arginine/serine rich protein, E3 ubiquitin ligase; minus strand). Cytogenetic location: 9p21.1.
Variant type: single nucleotide variant.
Coding change: c.3074A>G on transcript NM_005802.5 (MANE Select); coding-DNA position 3074, A replaced by G.
Protein change: p.Gln1025Arg; replaces glutamine 1025 with arginine.
Molecular consequence: missense variant.
Genome position (GRCh38, 1-based): chr9:32,541,451, T>C on the plus strand (A>G on the coding strand, the complement: TOPORS is on the minus strand). VCF-style: chr9-32541451-T-C. GRCh37 (hg19) VCF-style: chr9-32541449-T-C.
Other names: c.2879A>G, p.Gln960Arg (NM_001195622.2); short protein forms Q960R, Q1025R.
Identifiers: ClinVar variation 3972361 (VCV003972361.2).

ClinVar aggregate classification (germline): Uncertain significance. Review status: criteria provided, multiple submitters, no conflicts (2 of 4 stars). 2 submissions from 2 submitters: Uncertain significance (2). Last evaluated 2025-09-14.

Conditions:
Inborn genetic diseases. Identifiers: MedGen C0950123, MeSH D030342.

gnomAD v4.1: 12 of 1,614,102 alleles (0.00074%); highest among the groups gnomAD compares: Non-Finnish European, 0.00093%; no homozygotes.

Submissions (2):

Labcorp Genetics (formerly Invitae), Labcorp
Classification: Uncertain significance. Last evaluated: 2025-09-14. Review status: criteria provided, single submitter. Criteria: Invitae Variant Classification Sherloc (09022015). Collection method: clinical testing. Allele origin: germline.
Comment: This sequence change replaces glutamine, which is neutral and polar, with arginine, which is basic and polar, at codon 1025 of the TOPORS protein (p.Gln1025Arg). This variant is present in population databases (rs762761647, gnomAD 0.002%). This variant has not been reported in the literature in individuals affected with TOPORS-related conditions. ClinVar contains an entry for this variant (Variation ID: 3972361). An algorithm developed to predict the effect of missense changes on protein structure and function outputs the following: PolyPhen-2: "Not Available". The arginine amino acid residue is found in multiple mammalian species, which suggests that this missense change does not adversely affect protein function. In summary, the available evidence is currently insufficient to determine the role of this variant in disease. Therefore, it has been classified as a Variant of Uncertain Significance.

Ambry Genetics
Classification: Uncertain significance for Inborn genetic diseases. Last evaluated: 2025-04-29. Review status: criteria provided, single submitter. Criteria: Ambry Variant Classification Scheme 2023. Collection method: clinical testing. Allele origin: germline.